The following is an entry in ClinVar:

ClinVar aggregate classification (germline): Likely benign. Review status: criteria provided, single submitter (1 of 4 stars). 2 submissions from 2 submitters: Likely benign (1). 1 of the submissions does not count toward it. Last evaluated 2026-01-18.

Conditions:
Cohen syndrome (COH1). Also called: Cutis verticis gyrata, retinitis pigmentosa, and sensorineural deafness; PEPPER SYNDROME. Identifiers: Orphanet 193, MedGen C0265223, MONDO:0008999, OMIM 216550.
VPS13B-related disorder. Also called: VPS13B-related condition.

gnomAD v4.1: 1 of 1,611,882 alleles (0.000062%); highest among the groups gnomAD compares: Non-Finnish European, 0.000085%; no homozygotes.

Submissions (2):

Labcorp Genetics (formerly Invitae), Labcorp
Classification: Likely benign for Cohen syndrome. Last evaluated: 2026-01-18. Review status: criteria provided, single submitter. Criteria: Invitae Variant Classification Sherloc (09022015). Collection method: clinical testing. Allele origin: germline.

PreventionGenetics, part of Exact Sciences
Classification: Likely benign for VPS13B-related condition. Last evaluated: 2023-07-18. Review status: no assertion criteria provided. Collection method: clinical testing. Allele origin: germline. Not counted in ClinVar's aggregate classification.
Comment: This variant is classified as likely benign based on ACMG/AMP sequence variant interpretation guidelines (Richards et al. 2015 PMID: 25741868, with internal and published modifications).

NM_152564.5(VPS13B):c.6046+9G>A

Gene: VPS13B (vacuolar protein sorting 13 homolog B; plus strand). Cytogenetic location: 8q22.2.
Variant type: single nucleotide variant.
Coding change: c.6046+9G>A on transcript NM_152564.5 (MANE Select); 9 bases into the intron after coding-DNA position 6046, G replaced by A.
Molecular consequence: intron variant.
Genome position (GRCh38, 1-based): chr8:99,661,500, G>A. VCF-style: chr8-99661500-G-A. GRCh37 (hg19) VCF-style: chr8-100673728-G-A.
Other names: c.6121+9G>A (NM_017890.5); c.6046+9G>A (NM_152564.4).
Identifiers: ClinVar variation 1552764 (VCV001552764.9), dbSNP rs2129764870, ClinGen allele CA2573143586.